The following is an entry in ClinVar:

NM_205834.4(LSR):c.1442G>A (p.Arg481His)

Gene: LSR (lipolysis stimulated lipoprotein receptor; plus strand). Cytogenetic location: 19q13.12.
Variant type: single nucleotide variant.
Coding change: c.1442G>A on transcript NM_205834.4 (MANE Select); coding-DNA position 1442, G replaced by A.
Protein change: p.Arg481His; replaces arginine 481 with histidine.
Molecular consequence: missense variant.
Genome position (GRCh38, 1-based): chr19:35,267,406, G>A. VCF-style: chr19-35267406-G-A. GRCh37 (hg19) VCF-style: chr19-35758309-G-A.
Other names: c.1382G>A, p.Arg461His (NM_001260489.2); c.1118G>A, p.Arg373His (NM_001260490.2); c.1235G>A, p.Arg412His (NM_001385215.1); c.1385G>A, p.Arg462His (NM_015925.7); c.1238G>A, p.Arg413His (NM_205835.4); short protein forms R461H, R481H, R373H, R412H, R462H, R413H.
Identifiers: ClinVar variation 4732199 (VCV004732199.1).

ClinVar aggregate classification (germline): Uncertain significance (1 of 4 stars; one submission).

Submission:

Labcorp Genetics (formerly Invitae), Labcorp
Classification: Uncertain significance. Last evaluated: 2025-11-28. Review status: criteria provided, single submitter. Criteria: Invitae Variant Classification Sherloc (09022015). Collection method: clinical testing. Allele origin: germline.
Comment: This sequence change replaces arginine, which is basic and polar, with histidine, which is basic and polar, at codon 529 of the LSR protein (p.Arg529His). This variant is not present in population databases (gnomAD no frequency). This variant has not been reported in the literature in individuals affected with LSR-related conditions. An algorithm developed to predict the effect of missense changes on protein structure and function (PolyPhen-2) suggests that this variant is likely to be disruptive. In summary, the available evidence is currently insufficient to determine the role of this variant in disease. Therefore, it has been classified as a Variant of Uncertain Significance.